The following is an entry in ClinVar:

NM_006946.4(SPTBN2):c.4120G>A (p.Ala1374Thr)

Gene: SPTBN2 (spectrin beta, non-erythrocytic 2; minus strand). Cytogenetic location: 11q13.2.
Variant type: single nucleotide variant.
Coding change: c.4120G>A on transcript NM_006946.4 (MANE Select); coding-DNA position 4120, G replaced by A.
Protein change: p.Ala1374Thr; replaces alanine 1374 with threonine.
Molecular consequence: missense variant.
Genome position (GRCh38, 1-based): chr11:66,696,435, C>T on the plus strand (G>A on the coding strand, the complement: SPTBN2 is on the minus strand). VCF-style: chr11-66696435-C-T. GRCh37 (hg19) VCF-style: chr11-66463906-C-T.
Other names: short protein forms A1374T.
Identifiers: ClinVar variation 305558 (VCV000305558.15), dbSNP rs199675740, ClinGen allele CA6128657.

ClinVar aggregate classification (germline): Likely benign. Review status: criteria provided, single submitter (1 of 4 stars). 2 submissions from 2 submitters: Likely benign (1). 1 of the submissions does not count toward it. Last evaluated 2022-06-04.

Conditions:
SPTBN2-related disorder. Also called: SPTBN2-related condition.

Allele frequency attached by ClinVar (database versions not stated): gnomAD 0.00004 and 0.00005; gnomAD exomes 0.00004 and 0.00010; TOPMed 0.00006; ExAC 0.00008.
gnomAD v4.1: 75 of 1,612,930 alleles (0.0046%); highest among the groups gnomAD compares: Admixed American, 0.01%; no homozygotes.

Submissions (2):

Labcorp Genetics (formerly Invitae), Labcorp
Classification: Likely benign. Last evaluated: 2022-06-04. Review status: criteria provided, single submitter. Criteria: Invitae Variant Classification Sherloc (09022015). Collection method: clinical testing. Allele origin: germline.

PreventionGenetics, part of Exact Sciences
Classification: Likely benign for SPTBN2-related condition. Last evaluated: 2022-02-17. Review status: no assertion criteria provided. Collection method: clinical testing. Allele origin: germline. Not counted in ClinVar's aggregate classification.
Comment: This variant is classified as likely benign based on ACMG/AMP sequence variant interpretation guidelines (Richards et al. 2015 PMID: 25741868, with internal and published modifications).